The following is an entry in ClinVar:

ClinVar aggregate classification (germline): Uncertain significance (1 of 4 stars; one submission).

Submission:

Ambry Genetics
Classification: Uncertain significance. Last evaluated: 2024-02-23. Review status: criteria provided, single submitter. Criteria: Ambry Variant Classification Scheme 2023. Collection method: clinical testing. Allele origin: germline.
Comment: The p.H1173R variant (also known as c.3518A>G), located in coding exon 4 of the MLH3 gene, results from an A to G substitution at nucleotide position 3518. The histidine at codon 1173 is replaced by arginine, an amino acid with highly similar properties. This amino acid position is conserved. In addition, this alteration is predicted to be deleterious by in silico analysis. Since supporting evidence is limited at this time, the clinical significance of this alteration remains unclear.

NM_001040108.2(MLH3):c.3518A>G (p.His1173Arg)

Gene: MLH3 (mutL homolog 3; minus strand). Cytogenetic location: 14q24.3.
Variant type: single nucleotide variant.
Coding change: c.3518A>G on transcript NM_001040108.2 (MANE Select); coding-DNA position 3518, A replaced by G.
Protein change: p.His1173Arg; replaces histidine 1173 with arginine.
Molecular consequence: missense variant.
Genome position (GRCh38, 1-based): chr14:75,039,963, T>C on the plus strand (A>G on the coding strand, the complement: MLH3 is on the minus strand). VCF-style: chr14-75039963-T-C. GRCh37 (hg19) VCF-style: chr14-75506666-T-C.
Other names: c.3518A>G, p.His1173Arg (NM_014381.3); short protein forms H1173R.
Identifiers: ClinVar variation 1732221 (VCV001732221.2), dbSNP rs2503195730, ClinGen allele CA390428730.
Genomic context (GRCh38, chr14:75,039,963, plus strand): 5'-TCTTTTACCTGCATTGAATGAATCATTCCTTTGGTGAAACGATAGGGATACAAGATGTTG[T>C]GAATTTTAACTGCTAAGCTCTCAGCCTGGCCACTGCTTACATCAACAGCAACCTAGAAAG-3'
Protein context (NP_001035197.1, residues 1163-1183): GQAESLAVKI[His1173Arg]NILYPYRFTK